The following is an entry in ClinVar:

NM_000454.5(SOD1):c.179G>A (p.Ser60Asn)

Gene: SOD1 (superoxide dismutase 1; plus strand). Cytogenetic location: 21q22.11.
Variant type: single nucleotide variant.
Coding change: c.179G>A on transcript NM_000454.5 (MANE Select); coding-DNA position 179, G replaced by A.
Protein change: p.Ser60Asn; replaces serine 60 with asparagine.
Molecular consequence: missense variant.
Genome position (GRCh38, 1-based): chr21:31,666,458, G>A. VCF-style: chr21-31666458-G-A. GRCh37 (hg19) VCF-style: chr21-33038771-G-A.
Other names: short protein forms S60N.
Identifiers: ClinVar variation 2918340 (VCV002918340.3), dbSNP rs1413388444, ClinGen allele CA410037220.

ClinVar aggregate classification (germline): Uncertain significance (1 of 4 stars; one submission).

Conditions:
Amyotrophic lateral sclerosis type 1 (ALS1). Also called: AMYOTROPHIC LATERAL SCLEROSIS 1, FAMILIAL. Identifiers: Orphanet 803, MedGen C1862939, MONDO:0007103, OMIM 105400.

Allele frequency attached by ClinVar (database versions not stated): TOPMed below 0.00001; gnomAD 0.00001.

Submission:

Labcorp Genetics (formerly Invitae), Labcorp
Classification: Uncertain significance for Amyotrophic lateral sclerosis type 1. Last evaluated: 2023-06-23. Review status: criteria provided, single submitter. Criteria: Invitae Variant Classification Sherloc (09022015). Collection method: clinical testing. Allele origin: germline.
Comment: This sequence change replaces serine, which is neutral and polar, with asparagine, which is neutral and polar, at codon 60 of the SOD1 protein (p.Ser60Asn). This variant is not present in population databases (gnomAD no frequency). This missense change has been observed in individual(s) with clinical features of SOD1-related conditions (PMID: 23280792). Advanced modeling of protein sequence and biophysical properties (such as structural, functional, and spatial information, amino acid conservation, physicochemical variation, residue mobility, and thermodynamic stability) performed at Invitae indicates that this missense variant is expected to disrupt SOD1 protein function. In summary, the available evidence is currently insufficient to determine the role of this variant in disease. Therefore, it has been classified as a Variant of Uncertain Significance.

Literature cited by the submitters: PubMed 23280792.